The following is an entry in ClinVar:

ClinVar aggregate classification (germline): Conflicting classifications of pathogenicity. Review status: criteria provided, conflicting classifications (1 of 4 stars). 2 submissions from 2 submitters: Uncertain significance (1); Benign (1). Last evaluated 2025-11-14.

Conditions:
Hereditary cancer-predisposing syndrome. Also called: Tumor predisposition; Neoplastic Syndromes, Hereditary; Hereditary Cancer Syndrome; Hereditary neoplastic syndrome. Identifiers: Orphanet 140162, MedGen C0027672, MeSH D009386, MONDO:0015356.
Gorlin syndrome. Also called: Nevoid Basal Cell Carcinoma Syndrome; Basal cell nevus syndrome. Identifiers: Orphanet 377, MedGen C0004779, MONDO:0007187.

Allele frequency attached by ClinVar (database versions not stated): gnomAD exomes below 0.00001.
gnomAD v4.1: 2 of 1,614,108 alleles (0.00012%); highest among the groups gnomAD compares: South Asian, 0.0022%; no homozygotes.

Submissions (2):

Ambry Genetics
Classification: Uncertain significance for Hereditary cancer-predisposing syndrome. Last evaluated: 2025-11-14. Review status: criteria provided, single submitter. Criteria: Ambry Variant Classification Scheme 2023. Collection method: clinical testing. Allele origin: germline.
Comment: The p.T351S variant (also known as c.1052C>G), located in coding exon 7 of the PTCH1 gene, results from a C to G substitution at nucleotide position 1052. The threonine at codon 351 is replaced by serine, an amino acid with similar properties. This amino acid position is conserved. In addition, this alteration is predicted to be tolerated by in silico analysis. Based on the available evidence, the clinical significance of this variant remains unclear.

Labcorp Genetics (formerly Invitae), Labcorp
Classification: Benign for Gorlin syndrome. Last evaluated: 2022-04-22. Review status: criteria provided, single submitter. Criteria: Invitae Variant Classification Sherloc (09022015). Collection method: clinical testing. Allele origin: germline.

NM_000264.5(PTCH1):c.1052C>G (p.Thr351Ser)

Gene: PTCH1 (patched 1; minus strand). Cytogenetic location: 9q22.32.
Variant type: single nucleotide variant.
Coding change: c.1052C>G on transcript NM_000264.5 (MANE Select); coding-DNA position 1052, C replaced by G.
Protein change: p.Thr351Ser; replaces threonine 351 with serine.
Molecular consequence: missense variant. On other transcripts: non-coding transcript variant (1).
Genome position (GRCh38, 1-based): chr9:95,479,984, G>C on the plus strand (C>G on the coding strand, the complement: PTCH1 is on the minus strand). VCF-style: chr9-95479984-G-C. GRCh37 (hg19) VCF-style: chr9-98242266-G-C.
Other names: c.854C>G, p.Thr285Ser (NM_001083602.3); c.1049C>G, p.Thr350Ser (NM_001083603.3); c.599C>G, p.Thr200Ser (NM_001083604.3, NM_001083605.3, NM_001083606.3 and 1 more transcripts); c.1052C>G, p.Thr351Ser (NM_001354918.2); short protein forms T285S, T350S, T351S, T200S.
Identifiers: ClinVar variation 1777538 (VCV001777538.8), dbSNP rs1159971759, ClinGen allele CA374119586.